The following is an entry in ClinVar:

ClinVar aggregate classification (germline): Uncertain significance (1 of 4 stars; one submission).

Allele frequency attached by ClinVar (database versions not stated): ExAC 0.00001; gnomAD 0.00001; gnomAD exomes 0.00001; TOPMed 0.00001.
gnomAD v4.1: 5 of 1,614,088 alleles (0.00031%); highest among the groups gnomAD compares: Admixed American, 0.0067%; no homozygotes.

Submission:

Labcorp Genetics (formerly Invitae), Labcorp
Classification: Uncertain significance. Last evaluated: 2022-02-10. Review status: criteria provided, single submitter. Criteria: Invitae Variant Classification Sherloc (09022015). Collection method: clinical testing. Allele origin: germline.
Comment: Algorithms developed to predict the effect of missense changes on protein structure and function (SIFT, PolyPhen-2, Align-GVGD) all suggest that this variant is likely to be disruptive. This sequence change replaces leucine, which is neutral and non-polar, with arginine, which is basic and polar, at codon 354 of the DHX37 protein (p.Leu354Arg). This variant is present in population databases (rs753076552, gnomAD 0.01%). This variant has not been reported in the literature in individuals affected with DHX37-related conditions. In summary, the available evidence is currently insufficient to determine the role of this variant in disease. Therefore, it has been classified as a Variant of Uncertain Significance.

NM_032656.4(DHX37):c.1061T>G (p.Leu354Arg)

Gene: DHX37 (DEAH-box helicase 37; minus strand). Cytogenetic location: 12q24.31.
Variant type: single nucleotide variant.
Coding change: c.1061T>G on transcript NM_032656.4 (MANE Select); coding-DNA position 1061, T replaced by G.
Protein change: p.Leu354Arg; replaces leucine 354 with arginine.
Molecular consequence: missense variant.
Genome position (GRCh38, 1-based): chr12:124,972,519, A>C on the plus strand (T>G on the coding strand, the complement: DHX37 is on the minus strand). VCF-style: chr12-124972519-A-C. GRCh37 (hg19) VCF-style: chr12-125457065-A-C.
Other names: short protein forms L354R.
Identifiers: ClinVar variation 2095910 (VCV002095910.4), dbSNP rs753076552, ClinGen allele CA6872237.